The following is an entry in ClinVar:

ClinVar aggregate classification (germline): Uncertain significance. Review status: criteria provided, multiple submitters, no conflicts (2 of 4 stars). 3 submissions from 3 submitters: Uncertain significance (3). Last evaluated 2026-05-05.

Conditions:
Hereditary cancer-predisposing syndrome. Also called: Neoplastic Syndromes, Hereditary; Tumor predisposition; Hereditary Cancer Syndrome; Hereditary neoplastic syndrome. Identifiers: Orphanet 140162, MedGen C0027672, MeSH D009386, MONDO:0015356.
Ataxia-telangiectasia syndrome (AT). Also called: Ataxia telangiectasia (A-T); ATAXIA-TELANGIECTASIA, COMPLEMENTATION GROUP A; ATAXIA-TELANGIECTASIA, FRESNO VARIANT; Ataxia-telangiectasia; Ataxia-telangiectasia, complementation group E; LOUIS-BAR SYNDROME. Identifiers: Orphanet 100, MedGen C0004135, MONDO:0008840, OMIM 208900.

Submissions (3):

Ambry Genetics
Classification: Uncertain significance for Hereditary cancer-predisposing syndrome. Last evaluated: 2026-05-05. Review status: criteria provided, single submitter. Criteria: Ambry Variant Classification Scheme 2023. Collection method: clinical testing. Allele origin: germline.
Comment: The p.E2118V variant (also known as c.6353A>T), located in coding exon 43 of the ATM gene, results from an A to T substitution at nucleotide position 6353. The glutamic acid at codon 2118 is replaced by valine, an amino acid with dissimilar properties. This amino acid position is not well conserved in available vertebrate species. In addition, this alteration is predicted to be tolerated by in silico analysis. Since supporting evidence is limited at this time, the clinical significance of this alteration remains unclear.

Labcorp Genetics (formerly Invitae), Labcorp
Classification: Uncertain significance for Ataxia-telangiectasia syndrome. Last evaluated: 2025-12-21. Review status: criteria provided, single submitter. Criteria: Invitae Variant Classification Sherloc (09022015). Collection method: clinical testing. Allele origin: germline.
Comment: This sequence change replaces glutamic acid, which is acidic and polar, with valine, which is neutral and non-polar, at codon 2118 of the ATM protein (p.Glu2118Val). This variant is not present in population databases (gnomAD no frequency). This variant has not been reported in the literature in individuals affected with ATM-related conditions. ClinVar contains an entry for this variant (Variation ID: 1171115). Invitae Evidence Modeling of protein sequence and biophysical properties (such as structural, functional, and spatial information, amino acid conservation, physicochemical variation, residue mobility, and thermodynamic stability) indicates that this missense variant is not expected to disrupt ATM protein function with a negative predictive value of 95%. In summary, the available evidence is currently insufficient to determine the role of this variant in disease. Therefore, it has been classified as a Variant of Uncertain Significance.

Color Diagnostics, LLC DBA Color Health
Classification: Uncertain significance for Hereditary cancer-predisposing syndrome. Last evaluated: 2024-03-06. Review status: criteria provided, single submitter. Criteria: ACMG Guidelines, 2015. Collection method: clinical testing. Allele origin: germline.
Comment: This missense variant replaces glutamic acid with valine at codon 2118 of the ATM protein. Computational prediction suggests that this variant may not impact protein structure and function (internally defined REVEL score threshold <= 0.5, PMID: 27666373). To our knowledge, functional studies have not been reported for this variant. This variant has not been reported in individuals affected with hereditary cancer in the literature. This variant has not been identified in the general population by the Genome Aggregation Database (gnomAD). The available evidence is insufficient to determine the role of this variant in disease conclusively. Therefore, this variant is classified as a Variant of Uncertain Significance.

Literature cited by the submitters: PubMed 40580951 (cited by Ambry Genetics).

NM_000051.4(ATM):c.6353A>T (p.Glu2118Val)

Genes: ATM (ATM serine/threonine kinase; plus strand), C11orf65 (chromosome 11 open reading frame 65; minus strand). Cytogenetic location: 11q22.3.
Variant type: single nucleotide variant.
Coding change: c.6353A>T on transcript NM_000051.4 (MANE Select); coding-DNA position 6353, A replaced by T.
Protein change: p.Glu2118Val; replaces glutamic acid 2118 with valine.
Molecular consequence: missense variant. On other transcripts: intron variant (2).
Genome position (GRCh38, 1-based): chr11:108,319,959, A>T. VCF-style: chr11-108319959-A-T. GRCh37 (hg19) VCF-style: chr11-108190686-A-T.
Other names: c.6353A>T, p.Glu2118Val (NM_001351834.2); c.641-10888T>A (NM_001330368.2); c.*39-10888T>A (NM_001351110.2); short protein forms E2118V.
Identifiers: ClinVar variation 1171115 (VCV001171115.10), dbSNP rs2136218659, ClinGen allele CA382553153.